The following is an entry in ClinVar:

NM_000383.4(AIRE):c.88C>T (p.His30Tyr)

Gene: AIRE (autoimmune regulator; plus strand). Cytogenetic location: 21q22.3.
Variant type: single nucleotide variant.
Coding change: c.88C>T on transcript NM_000383.4 (MANE Select); coding-DNA position 88, C replaced by T.
Protein change: p.His30Tyr; replaces histidine 30 with tyrosine.
Molecular consequence: missense variant.
Genome position (GRCh38, 1-based): chr21:44,286,094, C>T. VCF-style: chr21-44286094-C-T. GRCh37 (hg19) VCF-style: chr21-45705977-C-T.
Other names: short protein forms H30Y.
Identifiers: ClinVar variation 4731049 (VCV004731049.1).

ClinVar aggregate classification (germline): Uncertain significance (1 of 4 stars; one submission).

Conditions:
Polyglandular autoimmune syndrome, type 1 (APS1). Also called: PGA I; Autoimmune polyendocrinopathy syndrome , type I, with or without reversible metaphyseal dysplasia; Autoimmune polyendocrine syndrome type 1; AUTOIMMUNE POLYENDOCRINE SYNDROME, TYPE I, WITH OR WITHOUT REVERSIBLE METAPHYSEAL DYSPLASIA; APS I; HYPOADRENOCORTICISM WITH HYPOPARATHYROIDISM AND SUPERFICIAL MONILIASIS. Identifiers: Orphanet 3453, MedGen C0085859, MONDO:0009411, OMIM 240300.

gnomAD v4.1: 23 of 1,546,406 alleles (0.0015%); highest among the groups gnomAD compares: Admixed American, 0.002%; no homozygotes.

Submission:

Labcorp Genetics (formerly Invitae), Labcorp
Classification: Uncertain significance for Polyglandular autoimmune syndrome, type 1. Last evaluated: 2025-10-26. Review status: criteria provided, single submitter. Criteria: Invitae Variant Classification Sherloc (09022015). Collection method: clinical testing. Allele origin: germline.
Comment: This sequence change replaces histidine, which is basic and polar, with tyrosine, which is neutral and polar, at codon 30 of the AIRE protein (p.His30Tyr). This variant is not present in population databases (gnomAD no frequency). This variant has not been reported in the literature in individuals affected with AIRE-related conditions. Invitae Evidence Modeling of protein sequence and biophysical properties (such as structural, functional, and spatial information, amino acid conservation, physicochemical variation, residue mobility, and thermodynamic stability) indicates that this missense variant is not expected to disrupt AIRE protein function with a negative predictive value of 95%. In summary, the available evidence is currently insufficient to determine the role of this variant in disease. Therefore, it has been classified as a Variant of Uncertain Significance.